The following is an entry in ClinVar:

NM_000127.3(EXT1):c.1677C>T (p.Asp559=)

Gene: EXT1 (exostosin glycosyltransferase 1; minus strand). Cytogenetic location: 8q24.11.
Variant type: single nucleotide variant.
Coding change: c.1677C>T on transcript NM_000127.3 (MANE Select); coding-DNA position 1677, C replaced by T.
Protein change: p.Asp559=; no amino-acid change (aspartic acid 559 retained).
Molecular consequence: synonymous variant.
Genome position (GRCh38, 1-based): chr8:117,812,917, G>A on the plus strand (C>T on the coding strand, the complement: EXT1 is on the minus strand). VCF-style: chr8-117812917-G-A. GRCh37 (hg19) VCF-style: chr8-118825156-G-A.
Other names: c.1677C>T (NM_000127.2).
Identifiers: ClinVar variation 1585750 (VCV001585750.10), dbSNP rs752594306, ClinGen allele CA4854050.

ClinVar aggregate classification (germline): Likely benign. Review status: criteria provided, single submitter (1 of 4 stars). 2 submissions from 2 submitters: Likely benign (1). 1 of the submissions does not count toward it. Last evaluated 2023-10-11.

Conditions:
EXT1-related disorder. Also called: EXT1-related condition.
Multiple congenital exostosis (EXT). Also called: Hereditary multiple osteochondromas; MULTIPLE CARTILAGINOUS EXOSTOSES; Multiple exostoses; Hereditary multiple exostoses; Hereditary multiple exostosis; Multiple osteochondromas. Identifiers: Orphanet 321, MedGen C0015306, MONDO:0005508, HP:0002762.

Allele frequency attached by ClinVar (database versions not stated): ExAC 0.00002.
gnomAD v4.1: 22 of 1,613,972 alleles (0.0014%); highest among the groups gnomAD compares: African/African-American, 0.004%; no homozygotes.

Submissions (2):

Labcorp Genetics (formerly Invitae), Labcorp
Classification: Likely benign for Multiple congenital exostosis. Last evaluated: 2023-10-11. Review status: criteria provided, single submitter. Criteria: Invitae Variant Classification Sherloc (09022015). Collection method: clinical testing. Allele origin: germline.

PreventionGenetics, part of Exact Sciences
Classification: Likely benign for EXT1-related condition. Last evaluated: 2021-12-30. Review status: no assertion criteria provided. Collection method: clinical testing. Allele origin: germline. Not counted in ClinVar's aggregate classification.
Comment: This variant is classified as likely benign based on ACMG/AMP sequence variant interpretation guidelines (Richards et al. 2015 PMID: 25741868, with internal and published modifications).